The following is an entry in ClinVar:

NM_022787.4(NMNAT1):c.199G>T (p.Val67Phe)

Gene: NMNAT1 (nicotinamide nucleotide adenylyltransferase 1; plus strand). Cytogenetic location: 1p36.22.
Variant type: single nucleotide variant.
Coding change: c.199G>T on transcript NM_022787.4 (MANE Select); coding-DNA position 199, G replaced by T.
Protein change: p.Val67Phe; replaces valine 67 with phenylalanine.
Molecular consequence: missense variant.
Genome position (GRCh38, 1-based): chr1:9,975,675, G>T. VCF-style: chr1-9975675-G-T. GRCh37 (hg19) VCF-style: chr1-10035733-G-T.
Other names: c.199G>T, p.Val67Phe (NM_001297778.1, NM_001297779.2); short protein forms V67F.
Identifiers: ClinVar variation 871049 (VCV000871049.43), dbSNP rs756903689, ClinGen allele CA579181.

ClinVar aggregate classification (germline): Conflicting classifications of pathogenicity. Review status: criteria provided, conflicting classifications (1 of 4 stars). 2 submissions from 2 submitters: Pathogenic (1); Uncertain significance (1). Last evaluated 2022-07-19.

Conditions:
Leber congenital amaurosis 9 (LCA9). Also called: LCA9 Leber Congenital Amaurosis; LCA 9; Amaurosis congenita of Leber, type 9. Identifiers: Orphanet 65, MedGen C1837873, MONDO:0012056, OMIM 608553.

Allele frequency attached by ClinVar (database versions not stated): ExAC 0.00001; gnomAD 0.00001; gnomAD exomes 0.00001; TOPMed 0.00001.
gnomAD v4.1: 13 of 1,613,892 alleles (0.00081%); highest among the groups gnomAD compares: Admixed American, 0.0017%; no homozygotes.

Submissions (2):

Labcorp Genetics (formerly Invitae), Labcorp
Classification: Uncertain significance for Leber congenital amaurosis 9. Last evaluated: 2022-07-19. Review status: criteria provided, single submitter. Criteria: Invitae Variant Classification Sherloc (09022015). Collection method: clinical testing. Allele origin: germline.
Comment: This sequence change replaces valine, which is neutral and non-polar, with phenylalanine, which is neutral and non-polar, at codon 67 of the NMNAT1 protein (p.Val67Phe). This variant is present in population databases (rs756903689, gnomAD 0.003%). This missense change has been observed in individual(s) with clinical features of Leber congenital amaurosis and/or retinal degeneration (PMID: 22842230, 32037395). ClinVar contains an entry for this variant (Variation ID: 871049). Algorithms developed to predict the effect of missense changes on protein structure and function are either unavailable or do not agree on the potential impact of this missense change (SIFT: "Deleterious"; PolyPhen-2: "Possibly Damaging"; Align-GVGD: "Class C0"). In summary, the available evidence is currently insufficient to determine the role of this variant in disease. Therefore, it has been classified as a Variant of Uncertain Significance.

CeGaT Center for Human Genetics Tuebingen
Classification: Pathogenic. Last evaluated: 2019-04-01. Review status: criteria provided, single submitter. Criteria: CeGaT Center For Human Genetics Tuebingen Variant Classification Criteria Version 2. Collection method: clinical testing. Allele origin: germline. Affected: yes. Observed: 2 variant alleles.

Literature cited by the submitters: PubMed 22842230 (cited by Labcorp Genetics (formerly Invitae), Labcorp); PubMed 32037395 (cited by Labcorp Genetics (formerly Invitae), Labcorp).